The following is an entry in ClinVar:

NM_001378120.1(MBD5):c.316_319dup (p.Ile107fs)

Gene: MBD5 (methyl-CpG binding domain protein 5; plus strand). Cytogenetic location: 2q23.1.
Variant type: Duplication.
Coding change: c.316_319dup on transcript NM_001378120.1 (MANE Select); coding-DNA positions 316 to 319, 4 bases duplicated (ATTA; older notation c.316_319dupATTA).
Protein change: p.Ile107fs; shifts the reading frame from isoleucine 107.
Molecular consequence: frameshift variant.
Genome position (GRCh38, 1-based): chr2:148,463,838-148,463,841, ATTA duplicated; duplicating any 4 consecutive bases within chr2:148,463,837-148,463,841 gives the same sequence; the c. name uses the placement nearest the transcript's 3' end. VCF-style (leftmost placement, unchanged base first): chr2-148463836-A-AAATT. GRCh37 (hg19) VCF-style: chr2-149221405-A-AAATT.
Other names: c.316_319dup, p.Ile107fs (NM_018328.5); short protein forms I107fs.
Identifiers: ClinVar variation 2585006 (VCV002585006.1), dbSNP rs2469818734, ClinGen allele CA2582342017.

ClinVar aggregate classification (germline): Likely pathogenic (1 of 4 stars; one submission).

Conditions:
Intellectual developmental disorder, autosomal dominant 1. Also called: MBD5 Haploinsufficiency; Intellectual disability, autosomal dominant 1. Identifiers: Orphanet 228402, MedGen C1969562, MONDO:0007974, OMIM 156200.

Submission:

Neuberg Centre For Genomic Medicine, NCGM
Classification: Likely pathogenic for Intellectual developmental disorder, autosomal dominant 1. Review status: criteria provided, single submitter. Criteria: ACMG Guidelines, 2015. Collection method: clinical testing. Allele origin: germline. Inheritance: Autosomal dominant inheritance. Affected: yes.
Comment: The frame shift c.316_319dup (p.Ile107AsnfsTer9) variant has not been reported previously as a pathogenic variant nor as a benign variant, to our knowledge. The p.Ile107AsnfsTer9 variant is novel (not in any individuals) in gnomAD Exomes and is novel (not in any individuals) in 1000 Genomes. This variant causes a frameshift starting with codon Isoleucine 107, changes this amino acid to Asparagine residue, and creates a premature Stop codon at position 9 of the new reading frame, denoted p.Ile107AsnfsTer9. This variant is predicted to cause loss of normal protein function through protein truncation. Loss of function variants have been previously reported to be disease causing. For these reasons, this variant has been classified as Likely Pathogenic.